The following is an entry in ClinVar:

ClinVar aggregate classification (germline): Uncertain significance. Review status: criteria provided, multiple submitters, no conflicts (2 of 4 stars). 2 submissions from 2 submitters: Uncertain significance (2). Last evaluated 2024-05-21.

Conditions:
TONSL-related disorder. Also called: TONSL-related condition.

Allele frequency attached by ClinVar (database versions not stated): gnomAD exomes 0.00001; ExAC 0.00003; gnomAD 0.00003; TOPMed 0.00004; ESP Exome Variant Server 0.00008; 1000 Genomes Project 0.00020; 1000 Genomes Project 30x 0.00031.
gnomAD v4.1: 18 of 1,612,652 alleles (0.0011%); highest among the groups gnomAD compares: East Asian, 0.0089%; no homozygotes.

Submissions (2):

Labcorp Genetics (formerly Invitae), Labcorp
Classification: Uncertain significance. Last evaluated: 2024-05-21. Review status: criteria provided, single submitter. Criteria: Invitae Variant Classification Sherloc (09022015). Collection method: clinical testing. Allele origin: germline.
Comment: This sequence change replaces arginine, which is basic and polar, with histidine, which is basic and polar, at codon 382 of the TONSL protein (p.Arg382His). This variant is present in population databases (rs370126528, gnomAD 0.008%). This variant has not been reported in the literature in individuals affected with TONSL-related conditions. ClinVar contains an entry for this variant (Variation ID: 1390079). Advanced modeling of protein sequence and biophysical properties (such as structural, functional, and spatial information, amino acid conservation, physicochemical variation, residue mobility, and thermodynamic stability) performed at Invitae indicates that this missense variant is not expected to disrupt TONSL protein function with a negative predictive value of 80%. In summary, the available evidence is currently insufficient to determine the role of this variant in disease. Therefore, it has been classified as a Variant of Uncertain Significance.

PreventionGenetics, part of Exact Sciences
Classification: Uncertain significance for TONSL-related condition. Last evaluated: 2022-10-25. Review status: criteria provided, single submitter. Criteria: ACMG Guidelines, 2015. Collection method: clinical testing. Allele origin: germline.
Comment: The TONSL c.1145G>A variant is predicted to result in the amino acid substitution p.Arg382His. To our knowledge, this variant has not been reported in the literature. This variant is reported in 0.0081% of alleles in individuals of African descent in gnomAD. At this time, the clinical significance of this variant is uncertain due to the absence of conclusive functional and genetic evidence.

NM_013432.5(TONSL):c.1145G>A (p.Arg382His)

Gene: TONSL (tonsoku like, DNA repair protein; minus strand). Cytogenetic location: 8q24.3.
Variant type: single nucleotide variant.
Coding change: c.1145G>A on transcript NM_013432.5 (MANE Select); coding-DNA position 1145, G replaced by A.
Protein change: p.Arg382His; replaces arginine 382 with histidine.
Molecular consequence: missense variant.
Genome position (GRCh38, 1-based): chr8:144,440,737, C>T on the plus strand (G>A on the coding strand, the complement: TONSL is on the minus strand). VCF-style: chr8-144440737-C-T. GRCh37 (hg19) VCF-style: chr8-145666120-C-T.
Other names: c.1145G>A (NM_013432.4); short protein forms R382H.
Identifiers: ClinVar variation 1390079 (VCV001390079.7), dbSNP rs370126528, ClinGen allele CA4943380.